The following is an entry in ClinVar:

NM_001164405.2(BHLHA9):c.631G>T (p.Ala211Ser)

Gene: BHLHA9 (basic helix-loop-helix family member a9; plus strand). Cytogenetic location: 17p13.3.
Variant type: single nucleotide variant.
Coding change: c.631G>T on transcript NM_001164405.2 (MANE Select); coding-DNA position 631, G replaced by T.
Protein change: p.Ala211Ser; replaces alanine 211 with serine.
Molecular consequence: missense variant.
Genome position (GRCh38, 1-based): chr17:1,271,194, G>T. VCF-style: chr17-1271194-G-T. GRCh37 (hg19) VCF-style: chr17-1174488-G-T.
Other names: c.631G>T (NM_001164405.1); short protein forms A211S.
Identifiers: ClinVar variation 1444441 (VCV001444441.9), dbSNP rs573587997, ClinGen allele CA8265816.

ClinVar aggregate classification (germline): Uncertain significance. Review status: criteria provided, multiple submitters, no conflicts (2 of 4 stars). 2 submissions from 2 submitters: Uncertain significance (2). Last evaluated 2025-08-23.

Conditions:
Inborn genetic diseases. Identifiers: MedGen C0950123, MeSH D030342.

Allele frequency attached by ClinVar (database versions not stated): TOPMed 0.00002; gnomAD exomes 0.00018; gnomAD 0.00023; 1000 Genomes Project 30x 0.00203; 1000 Genomes Project 0.00240.

Submissions (2):

Ambry Genetics
Classification: Uncertain significance for Inborn genetic diseases. Last evaluated: 2025-08-23. Review status: criteria provided, single submitter. Criteria: Ambry Variant Classification Scheme 2023. Collection method: clinical testing. Allele origin: germline.

Labcorp Genetics (formerly Invitae), Labcorp
Classification: Uncertain significance. Last evaluated: 2024-05-20. Review status: criteria provided, single submitter. Criteria: Invitae Variant Classification Sherloc (09022015). Collection method: clinical testing. Allele origin: germline.
Comment: This sequence change replaces alanine, which is neutral and non-polar, with serine, which is neutral and polar, at codon 211 of the BHLHA9 protein (p.Ala211Ser). This variant is not present in population databases (gnomAD no frequency). This variant has not been reported in the literature in individuals affected with BHLHA9-related conditions. ClinVar contains an entry for this variant (Variation ID: 1444441). An algorithm developed to predict the effect of missense changes on protein structure and function (PolyPhen-2) suggests that this variant is likely to be tolerated. In summary, the available evidence is currently insufficient to determine the role of this variant in disease. Therefore, it has been classified as a Variant of Uncertain Significance.